The following is an entry in ClinVar:

NM_000540.3(RYR1):c.11983T>C (p.Phe3995Leu)

Gene: RYR1 (ryanodine receptor 1; plus strand). Cytogenetic location: 19q13.2.
Variant type: single nucleotide variant.
Coding change: c.11983T>C on transcript NM_000540.3 (MANE Select); coding-DNA position 11983, T replaced by C.
Protein change: p.Phe3995Leu; replaces phenylalanine 3995 with leucine.
Molecular consequence: missense variant.
Genome position (GRCh38, 1-based): chr19:38,543,846, T>C. VCF-style: chr19-38543846-T-C. GRCh37 (hg19) VCF-style: chr19-39034486-T-C.
Other names: c.11968T>C, p.Phe3990Leu (NM_001042723.2); short protein forms F3995L, F3990L.
Identifiers: ClinVar variation 5009305 (VCV005009305.1).

ClinVar aggregate classification (germline): Uncertain significance (1 of 4 stars; one submission).

Submission:

GeneDx
Classification: Uncertain significance. Last evaluated: 2026-03-17. Review status: criteria provided, single submitter. Criteria: GeneDx Variant Classification Process June 2021. Collection method: clinical testing. Allele origin: germline.
Comment: Not observed at significant frequency in large population cohorts (gnomAD); In silico analysis supports that this missense variant has a deleterious effect on protein structure/function; Has not been previously published as pathogenic or benign to our knowledge